The following is an entry in ClinVar:

ClinVar aggregate classification (germline): Uncertain significance (1 of 4 stars; one submission).

Conditions:
Methylcobalamin deficiency type cblG (HMAG). Also called: Functional methionine synthase deficiency type cblG; HOMOCYSTINURIA-MEGALOBLASTIC ANEMIA DUE TO DEFECT IN COBALAMIN METABOLISM, cblG COMPLEMENTATION TYPE; HOMOCYSTINURIA-MEGALOBLASTIC ANEMIA, cblG TYPE; HOMOCYSTINURIA-MEGALOBLASTIC ANEMIA, cblG COMPLEMENTATION TYPE. Identifiers: Orphanet 2170, Orphanet 622, MedGen C1855128, MONDO:0009609, OMIM 250940.

Submission:

Labcorp Genetics (formerly Invitae), Labcorp
Classification: Uncertain significance for Methylcobalamin deficiency type cblG. Last evaluated: 2022-03-15. Review status: criteria provided, single submitter. Criteria: Invitae Variant Classification Sherloc (09022015). Collection method: clinical testing. Allele origin: germline.
Comment: This sequence change replaces methionine, which is neutral and non-polar, with valine, which is neutral and non-polar, at codon 1016 of the MTR protein (p.Met1016Val). This variant is not present in population databases (gnomAD no frequency). This variant has not been reported in the literature in individuals affected with MTR-related conditions. Algorithms developed to predict the effect of missense changes on protein structure and function (SIFT, PolyPhen-2, Align-GVGD) all suggest that this variant is likely to be tolerated. In summary, the available evidence is currently insufficient to determine the role of this variant in disease. Therefore, it has been classified as a Variant of Uncertain Significance.

NM_000254.3(MTR):c.3046A>G (p.Met1016Val)

Gene: MTR (5-methyltetrahydrofolate-homocysteine methyltransferase; plus strand). Cytogenetic location: 1q43.
Variant type: single nucleotide variant.
Coding change: c.3046A>G on transcript NM_000254.3 (MANE Select); coding-DNA position 3046, A replaced by G.
Protein change: p.Met1016Val; replaces methionine 1016 with valine.
Molecular consequence: missense variant.
Genome position (GRCh38, 1-based): chr1:236,891,171, A>G. VCF-style: chr1-236891171-A-G. GRCh37 (hg19) VCF-style: chr1-237054471-A-G.
Other names: c.2893A>G, p.Met965Val (NM_001291939.1); c.1825A>G, p.Met609Val (NM_001291940.2); c.2857A>G, p.Met953Val (NM_001410942.1); short protein forms M1016V, M953V, M609V, M965V.
Identifiers: ClinVar variation 2112324 (VCV002112324.1), dbSNP rs2528488144, ClinGen allele CA345386910.